The following is an entry in ClinVar:

NM_138694.4(PKHD1):c.9764G>A (p.Trp3255Ter)

Gene: PKHD1 (PKHD1 ciliary IPT domain containing fibrocystin/polyductin; minus strand). Cytogenetic location: 6p12.3.
Variant type: single nucleotide variant.
Coding change: c.9764G>A on transcript NM_138694.4 (MANE Select); coding-DNA position 9764, G replaced by A.
Protein change: p.Trp3255Ter; replaces tryptophan 3255 with a stop codon.
Molecular consequence: nonsense.
Genome position (GRCh38, 1-based): chr6:51,747,852, C>T on the plus strand (G>A on the coding strand, the complement: PKHD1 is on the minus strand). VCF-style: chr6-51747852-C-T. GRCh37 (hg19) VCF-style: chr6-51612650-C-T.
Other names: c.9764G>A, p.Trp3255Ter (NM_170724.3); short protein forms W3255*.
Identifiers: ClinVar variation 5013922 (VCV005013922.1).
Genomic context (GRCh38, chr6:51,747,852, plus strand): 5'-AGTTTCATGATTCCTGAAATTGAATGATCATTCCTCACTTTGTGCCATGGCTCCTGAGGC[C>T]ACTGATTTGGTTCTGAGGTGAATACAGGCCACAGAATACCAATTCGACCTCCTCTTGGAT-3'

ClinVar aggregate classification (germline): Pathogenic (1 of 4 stars; one submission).

Conditions:
Polycystic kidney disease 4 (PKD4). Also called: POLYCYSTIC KIDNEY AND HEPATIC DISEASE 1; POLYCYSTIC KIDNEY DISEASE, INFANTILE, TYPE I; POLYCYSTIC KIDNEY DISEASE 4 WITH OR WITHOUT POLYCYSTIC LIVER DISEASE; PKD3; Autosomal Recessive Polycystic Kidney Disease – PKHD1. Identifiers: MedGen C4540575, MONDO:0033004, OMIM 263200.

Submission:

Myriad Genetics, Inc.
Classification: Pathogenic for Polycystic kidney disease 4. Last evaluated: 2025-01-03. Review status: criteria provided, single submitter. Criteria: Myriad Autosomal Dominant, Autosomal Recessive and X-Linked Classification Criteria (2023). Collection method: clinical testing. Allele origin: unknown.
Comment: NM_138694.3(PKHD1):c.9764G>A(W3255*) is expected to be pathogenic in the context of autosomal recessive polycystic kidney disease, PKHD1-related. This variant is predicted to lead to an abnormal or absent protein product due to the creation of a premature termination codon in PKHD1, a gene where loss-of-function variants are known to be pathogenic. Please note: this variant was assessed in the context of healthy population screening.